The following is an entry in ClinVar:

ClinVar aggregate classification (germline): Uncertain significance. Review status: criteria provided, multiple submitters, no conflicts (2 of 4 stars). 3 submissions from 3 submitters: Uncertain significance (3). Last evaluated 2024-06-20.

Conditions:
Spermatogenic failure 18. Identifiers: MedGen C4539783, MONDO:0054615, OMIM 617576.
Ciliary dyskinesia, primary, 37 (CILD37). Also called: CILIARY DYSKINESIA, PRIMARY, 37, WITH OR WITHOUT SITUS INVERSUS. Identifiers: MedGen C4539798, MONDO:0033204, OMIM 617577.
DNAH1-related disorder. Also called: DNAH1-related condition.

Allele frequency attached by ClinVar (database versions not stated): gnomAD 0.00001; TOPMed 0.00002; gnomAD exomes 0.00003; ESP Exome Variant Server 0.00008; ExAC 0.00013.
gnomAD v4.1: 45 of 1,612,850 alleles (0.0028%); highest among the groups gnomAD compares: Middle Eastern, 0.016%; 1 homozygote.

Submissions (3):

Blueprint Genetics
Classification: Uncertain significance. Last evaluated: 2024-06-20. Review status: criteria provided, single submitter. Criteria: ACMG Guidelines, 2015. Collection method: clinical testing. Allele origin: germline.

PreventionGenetics, part of Exact Sciences
Classification: Uncertain significance for DNAH1-related condition. Last evaluated: 2023-05-11. Review status: criteria provided, single submitter. Criteria: ACMG Guidelines, 2015. Collection method: clinical testing. Allele origin: germline.
Comment: The DNAH1 c.10886G>A variant is predicted to result in the amino acid substitution p.Arg3629His. To our knowledge, this variant has not been reported in the literature. This variant is reported in 0.013% of alleles in individuals of European (Non-Finnish) descent in gnomAD. At this time, the clinical significance of this variant is uncertain due to the absence of conclusive functional and genetic evidence.

Labcorp Genetics (formerly Invitae), Labcorp
Classification: Uncertain significance for Ciliary dyskinesia, primary, 37; Spermatogenic failure 18. Last evaluated: 2022-06-13. Review status: criteria provided, single submitter. Criteria: Invitae Variant Classification Sherloc (09022015). Collection method: clinical testing. Allele origin: germline.
Comment: This sequence change replaces arginine, which is basic and polar, with histidine, which is basic and polar, at codon 3629 of the DNAH1 protein (p.Arg3629His). This variant is present in population databases (rs202058333, gnomAD 0.01%). This variant has not been reported in the literature in individuals affected with DNAH1-related conditions. Algorithms developed to predict the effect of missense changes on protein structure and function are either unavailable or do not agree on the potential impact of this missense change (SIFT: "Deleterious"; PolyPhen-2: "Probably Damaging"; Align-GVGD: "Class C0"). In summary, the available evidence is currently insufficient to determine the role of this variant in disease. Therefore, it has been classified as a Variant of Uncertain Significance.

NM_015512.5(DNAH1):c.10886G>A (p.Arg3629His)

Gene: DNAH1 (dynein axonemal heavy chain 1; plus strand). Cytogenetic location: 3p21.1.
Variant type: single nucleotide variant.
Coding change: c.10886G>A on transcript NM_015512.5 (MANE Select); coding-DNA position 10886, G replaced by A.
Protein change: p.Arg3629His; replaces arginine 3629 with histidine.
Molecular consequence: missense variant.
Genome position (GRCh38, 1-based): chr3:52,394,977, G>A. VCF-style: chr3-52394977-G-A. GRCh37 (hg19) VCF-style: chr3-52428993-G-A.
Other names: c.10886G>A (NM_015512.4); short protein forms R3629H.
Identifiers: ClinVar variation 2194875 (VCV002194875.3), dbSNP rs202058333, ClinGen allele CA2435987.